The following is an entry in ClinVar:

NM_177438.3(DICER1):c.615_618del (p.Thr206fs)

Gene: DICER1 (dicer 1, ribonuclease III; minus strand). Cytogenetic location: 14q32.13.
Variant type: Deletion.
Coding change: c.615_618del on transcript NM_177438.3 (MANE Select); coding-DNA positions 615 to 618, 4 bases deleted (AACT; older notation c.615_618delAACT).
Protein change: p.Thr206fs; shifts the reading frame from threonine 206.
Molecular consequence: frameshift variant. On other transcripts: 5 prime UTR variant (1), non-coding transcript variant (6).
Genome position (GRCh38, 1-based): chr14:95,129,588-95,129,591, AGTT deleted on the plus strand (AACT on the coding strand, the reverse complement: DICER1 is on the minus strand); deleting any 4 consecutive bases within chr14:95,129,588-95,129,594 gives the same sequence; the c. name uses the placement nearest the transcript's 3' end. VCF-style (leftmost placement, unchanged base first): chr14-95129587-CAGTT-C. GRCh37 (hg19) VCF-style: chr14-95595924-CAGTT-C.
Other names: c.615_618del, p.Thr206fs (NM_001195573.1, NM_001271282.3, NM_001291628.2 and 14 more transcripts); c.612_615delACTA, p.Thr206Leufs (NM_001395681.1); c.333_336del, p.Thr112fs (NM_001395686.1); c.210_213del, p.Thr71fs (NM_001395687.1, NM_001395688.1, NM_001395689.1 and 3 more transcripts); c.48_51del, p.Thr17fs (NM_001395691.1); c.-954_-951del (NM_001395697.1); c.615_618delAACT (NM_177438.2); short protein forms T206fs, T112fs, T71fs, T17fs.
Identifiers: ClinVar variation 2562221 (VCV002562221.3), dbSNP rs2543283985, ClinGen allele CA2580613754.

ClinVar aggregate classification (germline): Pathogenic. Review status: criteria provided, multiple submitters, no conflicts (2 of 4 stars). 2 submissions from 2 submitters: Pathogenic (2). Last evaluated 2026-01-20.

Conditions:
Hereditary cancer-predisposing syndrome. Also called: Neoplastic Syndromes, Hereditary; Tumor predisposition; Hereditary neoplastic syndrome; Hereditary Cancer Syndrome. Identifiers: Orphanet 140162, MedGen C0027672, MeSH D009386, MONDO:0015356.
DICER1-related tumor predisposition. Also called: DICER1-related pleuropulmonary blastoma cancer predisposition syndrome; DICER1 syndrome. Identifiers: Orphanet 284343, MedGen C3839822, MONDO:0100216.

Submissions (2):

Myriad Genetics, Inc.
Classification: Pathogenic for DICER1-related tumor predisposition. Last evaluated: 2026-01-20. Review status: criteria provided, single submitter. Criteria: Myriad Autosomal Dominant, Autosomal Recessive and X-Linked Classification Criteria (2023). Collection method: clinical testing. Allele origin: unknown.
Comment: This variant is considered pathogenic. This variant creates a frameshift predicted to result in premature protein truncation.

Ambry Genetics
Classification: Pathogenic for Hereditary cancer-predisposing syndrome. Last evaluated: 2023-04-25. Review status: criteria provided, single submitter. Criteria: Ambry Variant Classification Scheme 2023. Collection method: clinical testing. Allele origin: germline.
Comment: The c.615_618delAACT pathogenic mutation, located in coding exon 5 of the DICER1 gene, results from a deletion of 4 nucleotides at nucleotide positions 615 to 618, causing a translational frameshift with a predicted alternate stop codon (p.T206Lfs*4). This variant is considered to be rare based on population cohorts in the Genome Aggregation Database (gnomAD). This alteration is expected to result in loss of function by premature protein truncation or nonsense-mediated mRNA decay. As such, this alteration is interpreted as a disease-causing mutation.